The following is an entry in ClinVar:

NM_000059.4(BRCA2):c.2111C>T (p.Pro704Leu)

Gene: BRCA2 (BRCA2 DNA repair associated; plus strand). Cytogenetic location: 13q13.1.
Variant type: single nucleotide variant.
Coding change: c.2111C>T on transcript NM_000059.4 (MANE Select); coding-DNA position 2111, C replaced by T.
Protein change: p.Pro704Leu; replaces proline 704 with leucine.
Molecular consequence: missense variant.
Genome position (GRCh38, 1-based): chr13:32,336,466, C>T. VCF-style: chr13-32336466-C-T. GRCh37 (hg19) VCF-style: chr13-32910603-C-T.
Other names: short protein forms P704L.
Identifiers: ClinVar variation 531404 (VCV000531404.12), dbSNP rs768323836, ClinGen allele CA6940581.

ClinVar aggregate classification (germline): Conflicting classifications of pathogenicity. Review status: criteria provided, conflicting classifications (1 of 4 stars). 3 submissions from 3 submitters: Uncertain significance (2); Likely benign (1). Last evaluated 2025-11-20.

Conditions:
Hereditary cancer-predisposing syndrome. Also called: Hereditary neoplastic syndrome; Neoplastic Syndromes, Hereditary; Tumor predisposition; Hereditary Cancer Syndrome. Identifiers: Orphanet 140162, MedGen C0027672, MeSH D009386, MONDO:0015356.
Hereditary breast ovarian cancer syndrome. Also called: Hereditary breast and ovarian cancer syndrome (HBOC); BRCA1- and BRCA2-Associated Hereditary Breast and Ovarian Cancer; Hereditary breast and ovarian cancer syndrome; Breast and ovarian cancer; Hereditary breast and ovarian cancer; Hereditary breast and/or ovarian cancer syndrome. Identifiers: Orphanet 145, MedGen C0677776, MeSH D061325, MONDO:0003582. Disease mechanism: loss of function.

Allele frequency attached by ClinVar (database versions not stated): ExAC 0.00001; gnomAD exomes 0.00001.
gnomAD v4.1: 10 of 1,613,888 alleles (0.00062%); highest among the groups gnomAD compares: South Asian, 0.0099%; no homozygotes.

Submissions (3):

Labcorp Genetics (formerly Invitae), Labcorp
Classification: Uncertain significance for Hereditary breast ovarian cancer syndrome. Last evaluated: 2025-11-20. Review status: criteria provided, single submitter. Criteria: Invitae Variant Classification Sherloc (09022015). Collection method: clinical testing. Allele origin: germline.
Comment: This sequence change replaces proline, which is neutral and non-polar, with leucine, which is neutral and non-polar, at codon 704 of the BRCA2 protein (p.Pro704Leu). This variant is present in population databases (rs768323836, gnomAD 0.006%). This variant has not been reported in the literature in individuals affected with BRCA2-related conditions. ClinVar contains an entry for this variant (Variation ID: 531404). Invitae Evidence Modeling of protein sequence and biophysical properties (such as structural, functional, and spatial information, amino acid conservation, physicochemical variation, residue mobility, and thermodynamic stability) indicates that this missense variant is not expected to disrupt BRCA2 protein function with a negative predictive value of 95%. In summary, the available evidence is currently insufficient to determine the role of this variant in disease. Therefore, it has been classified as a Variant of Uncertain Significance.

University of Washington Department of Laboratory Medicine, University of Washington
Classification: Likely benign for Hereditary cancer-predisposing syndrome. Last evaluated: 2023-03-23. Review status: criteria provided, single submitter. Criteria: Dines et al. (Genet Med. 2020). Collection method: curation. Allele origin: germline.
Comment: Missense variant in a coldspot region where missense variants are very unlikely to be pathogenic (PMID:31911673).

BRCA2 exon 11 coldspot. Reclassification based on statistical prior probability.

Ambry Genetics
Classification: Uncertain significance for Hereditary cancer-predisposing syndrome. Last evaluated: 2022-03-24. Review status: criteria provided, single submitter. Criteria: Ambry Variant Classification Scheme 2023. Collection method: clinical testing. Allele origin: germline.
Comment: The p.P704L variant (also known as c.2111C>T), located in coding exon 10 of the BRCA2 gene, results from a C to T substitution at nucleotide position 2111. The proline at codon 704 is replaced by leucine, an amino acid with similar properties. This amino acid position is poorly conserved in available vertebrate species. In addition, this alteration is predicted to be tolerated by in silico analysis. Since supporting evidence is limited at this time, the clinical significance of this alteration remains unclear.